The following is an entry in ClinVar:

NM_198391.3(FLRT3):c.1607C>T (p.Ala536Val)

Genes: FLRT3 (fibronectin leucine rich transmembrane protein 3; minus strand), MACROD2 (mono-ADP ribosylhydrolase 2; plus strand). Cytogenetic location: 20p12.1.
Variant type: single nucleotide variant.
Coding change: c.1607C>T on transcript NM_198391.3 (MANE Select); coding-DNA position 1607, C replaced by T.
Protein change: p.Ala536Val; replaces alanine 536 with valine.
Molecular consequence: missense variant. On other transcripts: intron variant (3).
Genome position (GRCh38, 1-based): chr20:14,325,900, G>A on the plus strand (C>T on the coding strand, the complement: FLRT3 is on the minus strand). VCF-style: chr20-14325900-G-A. GRCh37 (hg19) VCF-style: chr20-14306546-G-A.
Other names: c.1607C>T, p.Ala536Val (NM_013281.4); c.272-167579G>A (NM_001351661.2, NM_001351663.2, NM_080676.6); short protein forms A536V.
Identifiers: ClinVar variation 5000676 (VCV005000676.1).

ClinVar aggregate classification (germline): Uncertain significance (1 of 4 stars; one submission).

Conditions:
FLRT3-related disorder. Also called: FLRT3-related condition.

gnomAD v4.1: 4 of 1,613,938 alleles (0.00025%); highest among the groups gnomAD compares: Non-Finnish European, 0.00034%; no homozygotes.

Submission:

PreventionGenetics, part of Exact Sciences
Classification: Uncertain significance for FLRT3-related condition. Last evaluated: 2025-08-04. Review status: criteria provided, single submitter. Criteria: ACMG Guidelines, 2015. Collection method: clinical testing. Allele origin: germline.
Comment: The FLRT3 c.1607C>T variant is predicted to result in the amino acid substitution p.Ala536Val. To our knowledge, this variant has not been reported in the literature or in a large population database (gnomAD), indicating this variant is rare. At this time, the clinical significance of this variant is uncertain due to the absence of conclusive functional and genetic evidence.